The following is an entry in ClinVar:

ClinVar aggregate classification (germline): Benign. Review status: criteria provided, single submitter (1 of 4 stars). 2 submissions from 2 submitters: Benign (1). 1 of the submissions does not count toward it. Last evaluated 2018-12-28.

Conditions:
BRPF1-related disorder. Also called: BRPF1-related condition.

Allele frequency attached by ClinVar (database versions not stated): gnomAD exomes 0.00003 and 0.00010; ExAC 0.00013; 1000 Genomes Project 30x 0.00031; ESP Exome Variant Server 0.00031; gnomAD 0.00039 and 0.00041; 1000 Genomes Project 0.00040; TOPMed 0.00045.

Submissions (2):

Labcorp Genetics (formerly Invitae), Labcorp
Classification: Benign. Last evaluated: 2018-12-28. Review status: criteria provided, single submitter. Criteria: Invitae Variant Classification Sherloc (09022015). Collection method: clinical testing. Allele origin: germline.

PreventionGenetics, part of Exact Sciences
Classification: Likely benign for BRPF1-related condition. Last evaluated: 2020-04-01. Review status: no assertion criteria provided. Collection method: clinical testing. Allele origin: germline. Not counted in ClinVar's aggregate classification.
Comment: This variant is classified as likely benign based on ACMG/AMP sequence variant interpretation guidelines (Richards et al. 2015 PMID: 25741868, with internal and published modifications).

NM_001003694.2(BRPF1):c.297G>A (p.Val99=)

Gene: BRPF1 (bromodomain and PHD finger containing 1; plus strand). Cytogenetic location: 3p25.3.
Variant type: single nucleotide variant.
Coding change: c.297G>A on transcript NM_001003694.2 (MANE Select); coding-DNA position 297, G replaced by A.
Protein change: p.Val99=; no amino-acid change (valine 99 retained).
Molecular consequence: synonymous variant. On other transcripts: non-coding transcript variant (1).
Genome position (GRCh38, 1-based): chr3:9,734,437, G>A. VCF-style: chr3-9734437-G-A. GRCh37 (hg19) VCF-style: chr3-9776121-G-A.
Other names: c.297G>A, p.Val99= (NM_001319049.2, NM_001319050.2, NM_004634.3).
Identifiers: ClinVar variation 799387 (VCV000799387.5), dbSNP rs147247799, ClinGen allele CA2241677.